The following is an entry in ClinVar:

NM_182914.3(SYNE2):c.10552G>A (p.Gly3518Arg)

Gene: SYNE2 (spectrin repeat containing nuclear envelope protein 2; plus strand). Cytogenetic location: 14q23.2.
Variant type: single nucleotide variant.
Coding change: c.10552G>A on transcript NM_182914.3 (MANE Select); coding-DNA position 10552, G replaced by A.
Protein change: p.Gly3518Arg; replaces glycine 3518 with arginine.
Molecular consequence: missense variant.
Genome position (GRCh38, 1-based): chr14:64,070,765, G>A. VCF-style: chr14-64070765-G-A. GRCh37 (hg19) VCF-style: chr14-64537483-G-A.
Other names: c.10552G>A, p.Gly3518Arg (NM_015180.6); short protein forms G3518R.
Identifiers: ClinVar variation 470912 (VCV000470912.8), dbSNP rs1555462898, ClinGen allele CA389936494.

ClinVar aggregate classification (germline): Uncertain significance (1 of 4 stars; one submission).

Conditions:
Emery-Dreifuss muscular dystrophy 5, autosomal dominant (EDMD5). Also called: EMERY-DREIFUSS MUSCULAR DYSTROPHY 5. Identifiers: Orphanet 261, MedGen C2751805, MONDO:0013072, OMIM 612999.

Submission:

Labcorp Genetics (formerly Invitae), Labcorp
Classification: Uncertain significance for Emery-Dreifuss muscular dystrophy 5, autosomal dominant. Last evaluated: 2017-07-01. Review status: criteria provided, single submitter. Criteria: Invitae Variant Classification Sherloc (09022015). Collection method: clinical testing. Allele origin: germline.
Comment: In summary, the available evidence is currently insufficient to determine the role of this variant in disease. Therefore, it has been classified as a Variant of Uncertain Significance. Algorithms developed to predict the effect of sequence changes on RNA splicing suggest that this variant may create or strengthen a splice site, but this prediction has not been confirmed by published transcriptional studies. Algorithms developed to predict the effect of missense changes on protein structure and function (SIFT, PolyPhen-2, Align-GVGD) all suggest that this variant is likely to be tolerated, but these predictions have not been confirmed by published functional studies and their clinical significance is uncertain. This variant has not been reported in the literature in individuals with SYNE2-related disease. This variant is not present in population databases (ExAC no frequency). This sequence change replaces glycine with arginine at codon 3518 of the SYNE2 protein (p.Gly3518Arg). The glycine residue is weakly conserved and there is a moderate physicochemical difference between glycine and arginine.